The following is an entry in ClinVar:

ClinVar aggregate classification (germline): Uncertain significance (1 of 4 stars; one submission).

Allele frequency attached by ClinVar (database versions not stated): gnomAD exomes below 0.00001.

Submission:

GeneDx
Classification: Uncertain significance. Last evaluated: 2020-02-21. Review status: criteria provided, single submitter. Criteria: GeneDx Variant Classification Process June 2021. Collection method: clinical testing. Allele origin: germline. Affected: yes.
Comment: Not observed at a significant frequency in large population cohorts (Lek et al., 2016); In silico analysis supports that this missense variant has a deleterious effect on protein structure/function; Has not been previously published as pathogenic or benign to our knowledge

NM_001365088.1(SLC12A6):c.1322G>A (p.Gly441Asp)

Gene: SLC12A6 (solute carrier family 12 member 6; minus strand). Cytogenetic location: 15q14.
Variant type: single nucleotide variant.
Coding change: c.1322G>A on transcript NM_001365088.1 (MANE Select); coding-DNA position 1322, G replaced by A.
Protein change: p.Gly441Asp; replaces glycine 441 with aspartic acid.
Molecular consequence: missense variant.
Genome position (GRCh38, 1-based): chr15:34,252,181, C>T on the plus strand (G>A on the coding strand, the complement: SLC12A6 is on the minus strand). VCF-style: chr15-34252181-C-T. GRCh37 (hg19) VCF-style: chr15-34544382-C-T.
Other names: c.1145G>A, p.Gly382Asp (NM_001042494.2, NM_001042495.2); c.1295G>A, p.Gly432Asp (NM_001042496.2); c.1277G>A, p.Gly426Asp (NM_001042497.2); c.1169G>A, p.Gly390Asp (NM_005135.2); c.1322G>A, p.Gly441Asp (NM_133647.2); short protein forms G382D, G390D, G426D, G432D, G441D.
Identifiers: ClinVar variation 1315373 (VCV001315373.2), dbSNP rs1192661841, ClinGen allele CA391607080.